The following is an entry in ClinVar:

ClinVar aggregate classification (germline): Conflicting classifications of pathogenicity. Review status: criteria provided, conflicting classifications (1 of 4 stars). 3 submissions from 3 submitters: Uncertain significance (2); Benign (1). Last evaluated 2025-09-10.

Conditions:
Hereditary cancer-predisposing syndrome. Also called: Neoplastic Syndromes, Hereditary; Tumor predisposition; Hereditary neoplastic syndrome; Hereditary Cancer Syndrome. Identifiers: Orphanet 140162, MedGen C0027672, MeSH D009386, MONDO:0015356.
Familial adenomatous polyposis 2. Also called: COLORECTAL ADENOMATOUS POLYPOSIS, AUTOSOMAL RECESSIVE; ADENOMAS, MULTIPLE COLORECTAL, AUTOSOMAL RECESSIVE; MUTYH-associated polyposis; FAP type 2; MUTYH-related attenuated familial adenomatous polyposis; Adenomas, multiple colorectal. Identifiers: Orphanet 220460, Orphanet 247798, MedGen C3272841, MONDO:0012041, OMIM 608456.

Allele frequency attached by ClinVar (database versions not stated): gnomAD exomes below 0.00001.

Submissions (3):

Labcorp Genetics (formerly Invitae), Labcorp
Classification: Uncertain significance for Familial adenomatous polyposis 2. Last evaluated: 2025-09-10. Review status: criteria provided, single submitter. Criteria: Invitae Variant Classification Sherloc (09022015). Collection method: clinical testing. Allele origin: germline.
Comment: This sequence change replaces alanine, which is neutral and non-polar, with threonine, which is neutral and polar, at codon 31 of the MUTYH protein (p.Ala31Thr). This variant is not present in population databases (gnomAD no frequency). This variant has not been reported in the literature in individuals affected with MUTYH-related conditions. ClinVar contains an entry for this variant (Variation ID: 464739). An algorithm developed to predict the effect of missense changes on protein structure and function (PolyPhen-2) suggests that this variant is likely to be tolerated. In summary, the available evidence is currently insufficient to determine the role of this variant in disease. Therefore, it has been classified as a Variant of Uncertain Significance.

Ambry Genetics
Classification: Benign for Hereditary cancer-predisposing syndrome. Last evaluated: 2025-09-09. Review status: criteria provided, single submitter. Criteria: Ambry Variant Classification Scheme 2023. Collection method: clinical testing. Allele origin: germline.

All of Us Research Program, National Institutes of Health
Classification: Uncertain significance for Familial adenomatous polyposis 2. Last evaluated: 2023-04-03. Review status: criteria provided, single submitter. Criteria: ACMG Guidelines, 2015. Collection method: clinical testing. Allele origin: germline. Inheritance: Autosomal recessive inheritance. Observed: 1 variant allele, 1 heterozygote.
Comment: This missense variant replaces alanine with threonine at codon 31 of the MUTYH protein. Computational prediction suggests that this variant may not impact protein structure and function (internally defined REVEL score threshold <= 0.5, PMID: 27666373). To our knowledge, functional studies have not been reported for this variant. This variant has not been reported in individuals affected with hereditary cancer in the literature. This variant has not been identified in the general population by the Genome Aggregation Database (gnomAD). The available evidence is insufficient to determine the role of this variant in disease conclusively. Therefore, this variant is classified as a Variant of Uncertain Significance.

This study involves interpretation of variants in research participants for the purpose of population health screening. Participant phenotype was not available at the time of variant classification. Additional details can be found in publication PMID: 35346344, PMCID: PMC8962531

NM_001048174.2(MUTYH):c.49G>A (p.Ala17Thr)

Gene: MUTYH (mutY DNA glycosylase; minus strand). Cytogenetic location: 1p34.1.
Variant type: single nucleotide variant.
Coding change: c.49G>A on transcript NM_001048174.2 (MANE Select); coding-DNA position 49, G replaced by A.
Protein change: p.Ala17Thr; replaces alanine 17 with threonine.
Molecular consequence: missense variant. On other transcripts: 5 prime UTR variant (4), non-coding transcript variant (2).
Genome position (GRCh38, 1-based): chr1:45,334,457, C>T on the plus strand (G>A on the coding strand, the complement: MUTYH is on the minus strand). VCF-style: chr1-45334457-C-T. GRCh37 (hg19) VCF-style: chr1-45800129-C-T.
Other names: c.49G>A, p.Ala17Thr (NM_001048171.2, NM_001048172.2, NM_001048173.2 and 2 more transcripts); c.91G>A, p.Ala31Thr (NM_001128425.2, NM_001293190.2, NM_012222.3); c.-164G>A (NM_001293192.2, NM_001293196.2); c.-223G>A (NM_001350650.2); c.-159G>A (NM_001350651.2); short protein forms A31T, A17T.
Identifiers: ClinVar variation 464739 (VCV000464739.15), dbSNP rs1553131489, ClinGen allele CA340137146.